The following is an entry in ClinVar:

ClinVar aggregate classification (germline): Uncertain significance. Review status: criteria provided, single submitter (1 of 4 stars). 2 submissions from 2 submitters: Uncertain significance (1). 1 of the submissions does not count toward it. Last evaluated 2013-09-17.

Conditions:
Congenital lactic acidosis, Saguenay-Lac-Saint-Jean type (MC4DN5). Also called: CYTOCHROME c OXIDASE DEFICIENCY, FRENCH CANADIAN TYPE; COX DEFICIENCY, FRENCH CANADIAN TYPE; MITOCHONDRIAL COMPLEX IV DEFICIENCY, NUCLEAR TYPE 5. Identifiers: Orphanet 70472, MedGen C1857355, MONDO:0009069, OMIM 220111.

Allele frequency attached by ClinVar (database versions not stated): gnomAD exomes 0.00001; ExAC 0.00002; gnomAD 0.00003 and 0.00004; TOPMed 0.00003; ESP Exome Variant Server 0.00008.
gnomAD v4.1: 7 of 1,613,762 alleles (0.00043%); highest among the groups gnomAD compares: African/African-American, 0.0093%; no homozygotes.

Submissions (2):

GeneDx
Classification: Uncertain significance. Last evaluated: 2013-09-17. Review status: criteria provided, single submitter. Criteria: GeneDx Variant Classification (06012015). Collection method: clinical testing. Allele origin: germline. Affected: yes.
Comment: p.Ser404Tyr (TCC>TAC): c.1211 C>A in exon 10 of the LRPPRC gene (NM_133259.3). The S404Y missense substitution has not been published as a mutation, nor has it been reported as a benign polymorphism to our knowledge. S404Y is a conservative amino acid substitution of one uncharged, polar amino acid for another. The variant alters a position in the protein that is not highly conserved across species. In silico algorithms are not consistent in their prediction of whether or not S404Y is damaging to the structure/function of the LRPPRC protein. Therefore, based on the currently available information, it is unclear whether S404Y is a disease-causing mutation or a rare benign variant. The variant is found in LSME-MITOP panel(s).

Natera, Inc.
Classification: Uncertain significance for French-Canadian type Leigh syndrome. Last evaluated: 2019-11-11. Review status: no assertion criteria provided. Collection method: clinical testing. Allele origin: germline. Not counted in ClinVar's aggregate classification.

NM_133259.4(LRPPRC):c.1211C>A (p.Ser404Tyr)

Gene: LRPPRC (leucine rich pentatricopeptide repeat containing; minus strand). Cytogenetic location: 2p21.
Variant type: single nucleotide variant.
Coding change: c.1211C>A on transcript NM_133259.4 (MANE Select); coding-DNA position 1211, C replaced by A.
Protein change: p.Ser404Tyr; replaces serine 404 with tyrosine.
Molecular consequence: missense variant.
Genome position (GRCh38, 1-based): chr2:43,973,845, G>T on the plus strand (C>A on the coding strand, the complement: LRPPRC is on the minus strand). VCF-style: chr2-43973845-G-T. GRCh37 (hg19) VCF-style: chr2-44200984-G-T.
Other names: p.S404Y:TCC>TAC; short protein forms S404Y.
Identifiers: ClinVar variation 214604 (VCV000214604.3), dbSNP rs148016991, ClinGen allele CA321303.